The following is an entry in ClinVar:

NM_002225.5(IVD):c.61_67del (p.Leu21fs)

Gene: IVD (isovaleryl-CoA dehydrogenase; plus strand). Cytogenetic location: 15q15.1.
Variant type: Deletion.
Coding change: c.61_67del on transcript NM_002225.5 (MANE Select); coding-DNA positions 61 to 67, 7 bases deleted (CTTGCCG; older notation c.61_67delCTTGCCG).
Protein change: p.Leu21fs; shifts the reading frame from leucine 21.
Molecular consequence: frameshift variant. On other transcripts: 5 prime UTR variant (1), non-coding transcript variant (1).
Genome position (GRCh38, 1-based): chr15:40,405,888-40,405,894, CTTGCCG deleted; deleting any 7 consecutive bases within chr15:40,405,884-40,405,894 gives the same sequence; the c. name uses the placement nearest the transcript's 3' end. VCF-style (leftmost placement, unchanged base first): chr15-40405883-CGCCGCTT-C. GRCh37 (hg19) VCF-style: chr15-40698084-CGCCGCTT-C.
Other names: c.61_67del, p.Leu21fs (NM_001159508.3, NM_001354598.3, NM_001354599.3 and 2 more transcripts); c.-367_-361del (NM_001354597.3); short protein forms L21fs.
Identifiers: ClinVar variation 851748 (VCV000851748.7), dbSNP rs1890343709, ClinGen allele CA916083410.

ClinVar aggregate classification (germline): Pathogenic (1 of 4 stars; one submission).

Conditions:
Isovaleryl-CoA dehydrogenase deficiency (IVA). Also called: ISOVALERIC ACID CoA DEHYDROGENASE DEFICIENCY; Isovaleric acidemia; Classic Isovaleric Acidemia; IVD DEFICIENCY. Identifiers: Orphanet 33, MedGen C0268575, MONDO:0009475, OMIM 243500.

Submission:

Labcorp Genetics (formerly Invitae), Labcorp
Classification: Pathogenic for Isovaleryl-CoA dehydrogenase deficiency. Last evaluated: 2019-11-27. Review status: criteria provided, single submitter. Criteria: Invitae Variant Classification Sherloc (09022015). Collection method: clinical testing. Allele origin: germline.
Comment: This sequence change creates a premature translational stop signal (p.Leu24Alafs*20) in the IVD gene. It is expected to result in an absent or disrupted protein product. This variant is not present in population databases (ExAC no frequency). This variant has not been reported in the literature in individuals with IVD-related conditions. Loss-of-function variants in IVD are known to be pathogenic (PMID: 16602101). For these reasons, this variant has been classified as Pathogenic.

Literature cited by the submitters: PubMed 16602101.